The following is an entry in ClinVar:

NM_015102.5(NPHP4):c.3044+20C>T

Gene: NPHP4 (nephrocystin 4; minus strand). Cytogenetic location: 1p36.31.
Variant type: single nucleotide variant.
Coding change: c.3044+20C>T on transcript NM_015102.5 (MANE Select); 20 bases into the intron after coding-DNA position 3044, C replaced by T.
Molecular consequence: intron variant.
Genome position (GRCh38, 1-based): chr1:5,874,854, G>A on the plus strand (C>T on the coding strand, the complement: NPHP4 is on the minus strand). VCF-style: chr1-5874854-G-A. GRCh37 (hg19) VCF-style: chr1-5934914-G-A.
Other names: p.?; c.1508+20C>T (NM_001291594.2); c.1505+20C>T (NM_001291593.2).
Identifiers: ClinVar variation 1164396 (VCV001164396.12), dbSNP rs372051668, ClinGen allele CA553830.

ClinVar aggregate classification (germline): Benign/Likely benign. Review status: criteria provided, multiple submitters, no conflicts (2 of 4 stars). 4 submissions from 4 submitters: Benign (2); Likely benign (2). Last evaluated 2026-01-15.

Conditions:
Nephronophthisis. Also called: Juvenile Nephronophthisis. Identifiers: Orphanet 655, MedGen C0687120, MONDO:0019005, HP:0000090.

Allele frequency attached by ClinVar (database versions not stated): gnomAD 0.00019 and 0.00038; TOPMed 0.00029; ESP Exome Variant Server 0.00040; 1000 Genomes Project 0.00080; 1000 Genomes Project 30x 0.00094; gnomAD exomes 0.00099.
gnomAD v4.1: 895 of 1,604,704 alleles (0.056%); highest among the groups gnomAD compares: South Asian, 0.52%; 5 homozygotes.

Submissions (4):

Labcorp Genetics (formerly Invitae), Labcorp
Classification: Benign for Nephronophthisis. Last evaluated: 2026-01-15. Review status: criteria provided, single submitter. Criteria: Invitae Variant Classification Sherloc (09022015). Collection method: clinical testing. Allele origin: germline.

Mayo Clinic Laboratories, Mayo Clinic
Classification: Likely benign. Last evaluated: 2025-11-24. Review status: criteria provided, single submitter. Criteria: ACMG Guidelines, 2015. Collection method: clinical testing. Allele origin: germline. Observed: 3 variant alleles.
Comment: BS1, BP4, BP7

Blueprint Genetics
Classification: Likely benign. Last evaluated: 2024-10-31. Review status: criteria provided, single submitter. Criteria: ACMG Guidelines, 2015. Collection method: clinical testing. Allele origin: germline.

Breakthrough Genomics
Classification: Benign. Review status: criteria provided, single submitter. Criteria: ACMG Guidelines, 2015. Collection method: not provided. Allele origin: germline. Inheritance: Autosomal recessive inheritance. Affected: yes.